The following is an entry in ClinVar:

ClinVar aggregate classification (germline): Uncertain significance. Review status: criteria provided, multiple submitters, no conflicts (2 of 4 stars). 4 submissions from 4 submitters: Uncertain significance (3). 1 of the submissions does not count toward it. Last evaluated 2024-09-05.

Conditions:
Congenital hypothyroidism. Identifiers: Orphanet 442, MedGen C0010308, MONDO:0018612, HP:0000851.

Allele frequency attached by ClinVar (database versions not stated): gnomAD exomes below 0.00001 and 0.00001; ExAC 0.00001; gnomAD 0.00001; TOPMed 0.00002.

Submissions (4):

Mayo Clinic Laboratories, Mayo Clinic
Classification: Uncertain significance. Last evaluated: 2024-09-05. Review status: criteria provided, single submitter. Criteria: ACMG Guidelines, 2015. Collection method: clinical testing. Allele origin: germline. Observed: 1 variant allele.
Comment: PP3, PM1_supporting, PM2, PS3

GeneDx
Classification: Uncertain significance. Last evaluated: 2023-07-28. Review status: criteria provided, single submitter. Criteria: GeneDx Variant Classification Process June 2021. Collection method: clinical testing. Allele origin: germline. Affected: yes.
Comment: Reported in the homozygous state in siblings with thyroid dysgenesis in published literature (Stoupa et al., 2018); In silico analysis supports that this missense variant has a deleterious effect on protein structure/function; Not observed at significant frequency in large population cohorts (gnomAD); This variant is associated with the following publications: (PMID: 30446499)

Labcorp Genetics (formerly Invitae), Labcorp
Classification: Uncertain significance. Last evaluated: 2022-06-02. Review status: criteria provided, single submitter. Criteria: Invitae Variant Classification Sherloc (09022015). Collection method: clinical testing. Allele origin: germline.
Comment: Algorithms developed to predict the effect of missense changes on protein structure and function are either unavailable or do not agree on the potential impact of this missense change (SIFT: "Not Available"; PolyPhen-2: "Probably Damaging"; Align-GVGD: "Not Available"). Experimental studies have shown that this missense change affects TUBB1 function (PMID: 30446499). In summary, the available evidence is currently insufficient to determine the role of this variant in disease. Therefore, it has been classified as a Variant of Uncertain Significance. ClinVar contains an entry for this variant (Variation ID: 586964). This missense change has been observed in individual(s) with clinical features of TUBB1-related macrothrombocytopenia (PMID: 30446499). This variant is present in population databases (rs759117911, gnomAD 0.0009%). This sequence change replaces proline, which is neutral and non-polar, with leucine, which is neutral and non-polar, at codon 160 of the TUBB1 protein (p.Pro160Leu).

Polak associated Lab, IMAGINE Institute
Classification: Pathogenic for Congenital hypothyroidism. Last evaluated: 2016-10-18. Review status: no assertion criteria provided. Collection method: research. Allele origin: germline. Affected: yes. Observed: 11 variant alleles. Not counted in ClinVar's aggregate classification.

Literature cited by the submitters: PubMed 30446499 (cited by Mayo Clinic Laboratories, Mayo Clinic and Labcorp Genetics (formerly Invitae), Labcorp); PubMed 36107810 (cited by Mayo Clinic Laboratories, Mayo Clinic); PubMed 37647632 (cited by Mayo Clinic Laboratories, Mayo Clinic).

NM_030773.4(TUBB1):c.479C>T (p.Pro160Leu)

Gene: TUBB1 (tubulin beta 1 class VI; plus strand). Cytogenetic location: 20q13.32.
Variant type: single nucleotide variant.
Coding change: c.479C>T on transcript NM_030773.4 (MANE Select); coding-DNA position 479, C replaced by T.
Protein change: p.Pro160Leu; replaces proline 160 with leucine.
Molecular consequence: missense variant.
Genome position (GRCh38, 1-based): chr20:59,023,906, C>T. VCF-style: chr20-59023906-C-T. GRCh37 (hg19) VCF-style: chr20-57598961-C-T.
Other names: p.Pro160Leu; short protein forms P160L.
Identifiers: ClinVar variation 586964 (VCV000586964.7), dbSNP rs759117911, ClinGen allele CA9928513.